The following is an entry in ClinVar:

ClinVar aggregate classification (germline): Uncertain significance (1 of 4 stars; one submission).

gnomAD v4.1: 1 of 1,614,136 alleles (0.000062%); highest among the groups gnomAD compares: South Asian, 0.0011%; no homozygotes.

Submission:

Labcorp Genetics (formerly Invitae), Labcorp
Classification: Uncertain significance. Last evaluated: 2021-07-06. Review status: criteria provided, single submitter. Criteria: Invitae Variant Classification Sherloc (09022015). Collection method: clinical testing. Allele origin: germline.
Comment: This variant has not been reported in the literature in individuals affected with SKIV2L-related conditions. This variant is not present in population databases (ExAC no frequency). This sequence change affects codon 1179 of the SKIV2L mRNA. It is a 'silent' change, meaning that it does not change the encoded amino acid sequence of the SKIV2L protein. Algorithms developed to predict the effect of sequence changes on RNA splicing suggest that this variant may create or strengthen a splice site. In summary, the available evidence is currently insufficient to determine the role of this variant in disease. Therefore, it has been classified as a Variant of Uncertain Significance.

NM_006929.5(SKIC2):c.3537C>T (p.Gly1179=)

Gene: SKIC2 (SKI2 subunit of superkiller complex; plus strand). Cytogenetic location: 6p21.33.
Variant type: single nucleotide variant.
Coding change: c.3537C>T on transcript NM_006929.5 (MANE Select); coding-DNA position 3537, C replaced by T.
Protein change: p.Gly1179=; no amino-acid change (glycine 1179 retained).
Molecular consequence: synonymous variant.
Genome position (GRCh38, 1-based): chr6:31,969,417, C>T. VCF-style: chr6-31969417-C-T. GRCh37 (hg19) VCF-style: chr6-31937194-C-T.
Identifiers: ClinVar variation 1463481 (VCV001463481.8), dbSNP rs2151817734, ClinGen allele CA449813935.